The following is an entry in ClinVar:

NM_000038.6(APC):c.1619_1620insGG (p.Gln541fs)

Gene: APC (APC regulator of Wnt signaling pathway; plus strand). Cytogenetic location: 5q22.2.
Variant type: Insertion.
Coding change: c.1619_1620insGG on transcript NM_000038.6 (MANE Select); coding-DNA positions 1619 to 1620, GG inserted.
Protein change: p.Gln541fs; shifts the reading frame from glutamine 541.
Molecular consequence: frameshift variant.
Genome position: GRCh38 VCF-style: chr5-112827999-T-TGG. GRCh37 (hg19) VCF-style: chr5-112163696-T-TGG.
Other names: c.1316_1317insGG, p.Gln440fs (NM_001407458.1, NM_001407459.1, NM_001407460.1 and 1 more transcripts); c.1232_1233insGG, p.Gln412fs (NM_001407469.1, NM_001407467.1); c.770_771insGG, p.Gln258fs (NM_001407470.1, NM_001354906.2); c.467_468insGG, p.Gln157fs (NM_001407471.1, NM_001407472.1); c.1619_1620insGG, p.Gln541fs (NM_001127510.3, NM_001354895.2, NM_001407450.1); c.1565_1566insGG, p.Gln523fs (NM_001127511.3); c.1673_1674insGG, p.Gln559fs (NM_001354896.2, NM_001407447.1, NM_001407448.1 and 1 more transcripts); c.1649_1650insGG, p.Gln551fs (NM_001354897.2); and 11 more; short protein forms Q157fs, Q258fs, Q381fs, Q412fs, Q415fs, Q440fs, Q450fs, Q458fs.
Identifiers: ClinVar variation 2584191 (VCV002584191.1), dbSNP rs2533222368, ClinGen allele CA2582341379.

ClinVar aggregate classification (germline): Pathogenic (1 of 4 stars; one submission).

Conditions:
Familial adenomatous polyposis 1 (FAP1). Also called: FAMILIAL ADENOMATOUS POLYPOSIS 1, ATTENUATED; POLYPOSIS, ADENOMATOUS INTESTINAL. Identifiers: MedGen C2713442, MONDO:0021056, OMIM 175100. Disease mechanism: loss of function.

Submission:

Myriad Genetics, Inc.
Classification: Pathogenic for Familial adenomatous polyposis 1. Last evaluated: 2023-05-02. Review status: criteria provided, single submitter. Criteria: Myriad Autosomal Dominant, Autosomal Recessive and X-Linked Classification Criteria (2023). Collection method: clinical testing. Allele origin: unknown.
Comment: This variant is considered pathogenic. This variant creates a frameshift predicted to result in premature protein truncation.